The following is an entry in ClinVar:

ClinVar aggregate classification (germline): Uncertain significance (1 of 4 stars; one submission).

gnomAD v4.1: 1 of 1,534,330 alleles (0.000065%); highest among the groups gnomAD compares: Non-Finnish European, 0.000087%; no homozygotes.

Submission:

CeGaT Center for Human Genetics Tuebingen
Classification: Uncertain significance. Last evaluated: 2024-01-01. Review status: criteria provided, single submitter. Criteria: CeGaT Center For Human Genetics Tuebingen Variant Classification Criteria Version 2. Collection method: clinical testing. Allele origin: germline. Affected: yes. Observed: 1 variant allele.
Comment: SUZ12: PM2, PS2:Supporting, BP4

NM_015355.4(SUZ12):c.1795-5C>T

Gene: SUZ12 (SUZ12 polycomb repressive complex 2 subunit; plus strand). Cytogenetic location: 17q11.2.
Variant type: single nucleotide variant.
Coding change: c.1795-5C>T on transcript NM_015355.4 (MANE Select); 5 bases into the intron before coding-DNA position 1795, C replaced by T.
Molecular consequence: intron variant.
Genome position (GRCh38, 1-based): chr17:31,996,793, C>T. VCF-style: chr17-31996793-C-T. GRCh37 (hg19) VCF-style: chr17-30323812-C-T.
Other names: c.1726-5C>T (NM_001321207.2).
Identifiers: ClinVar variation 3026219 (VCV003026219.22), dbSNP rs2508688325, ClinGen allele CA2637123410.
Genomic context (GRCh38, chr17:31,996,793, plus strand): 5'-TTGACATTCTCACAAGTTTTTCTTAAAATATGTGTTTAATAGGTGTTTTTCTTTCTTTTT[C>T]CCAGCAAATTGAAGAGTTTTCTGATGTTAATGAAGGAGAGAAAGAAGTGATGAAACTCTG-3'